The following is an entry in ClinVar:

ClinVar aggregate classification (germline): Uncertain significance. Review status: criteria provided, multiple submitters, no conflicts (2 of 4 stars). 2 submissions from 2 submitters: Uncertain significance (2). Last evaluated 2021-06-03.

Conditions:
Autosomal dominant limb-girdle muscular dystrophy type 1G (LGMDD3). Also called: Limb-girdle muscular dystrophy, type 1G; MUSCULAR DYSTROPHY, LIMB-GIRDLE, AUTOSOMAL DOMINANT 3. Identifiers: Orphanet 55596, MedGen C1836765, MONDO:0012193, OMIM 609115.

Allele frequency attached by ClinVar (database versions not stated): gnomAD exomes 0.00001; TOPMed 0.00001.
gnomAD v4.1: 10 of 1,609,500 alleles (0.00062%); highest among the groups gnomAD compares: Non-Finnish European, 0.00085%; no homozygotes.

Submissions (2):

Labcorp Genetics (formerly Invitae), Labcorp
Classification: Uncertain significance for Autosomal dominant limb-girdle muscular dystrophy type 1G. Last evaluated: 2021-06-03. Review status: criteria provided, single submitter. Criteria: Invitae Variant Classification Sherloc (09022015). Collection method: clinical testing. Allele origin: germline.
Comment: In summary, the available evidence is currently insufficient to determine the role of this variant in disease. Therefore, it has been classified as a Variant of Uncertain Significance. Algorithms developed to predict the effect of missense changes on protein structure and function are either unavailable or do not agree on the potential impact of this missense change (SIFT: "Deleterious"; PolyPhen-2: "Benign"; Align-GVGD: "Class C65"). This variant has not been reported in the literature in individuals with HNRNPDL-related conditions. ClinVar contains an entry for this variant (Variation ID: 522993). This variant is not present in population databases (ExAC no frequency). This sequence change replaces arginine with cysteine at codon 338 of the HNRNPDL protein (p.Arg338Cys). The arginine residue is highly conserved and there is a large physicochemical difference between arginine and cysteine.

Genomic Research Center, Shahid Beheshti University of Medical Sciences
Classification: Uncertain significance for Limb-girdle muscular dystrophy, type 1G. Last evaluated: 2020-05-03. Review status: criteria provided, single submitter. Criteria: ACMG Guidelines, 2015. Collection method: clinical testing. Allele origin: unknown. Affected: yes.

NM_031372.4(HNRNPDL):c.1012C>T (p.Arg338Cys)

Gene: HNRNPDL (heterogeneous nuclear ribonucleoprotein D like; minus strand). Cytogenetic location: 4q21.22.
Variant type: single nucleotide variant.
Coding change: c.1012C>T on transcript NM_031372.4 (MANE Select); coding-DNA position 1012, C replaced by T.
Protein change: p.Arg338Cys; replaces arginine 338 with cysteine.
Molecular consequence: missense variant. On other transcripts: non-coding transcript variant (1).
Genome position (GRCh38, 1-based): chr4:82,427,199, G>A on the plus strand (C>T on the coding strand, the complement: HNRNPDL is on the minus strand). VCF-style: chr4-82427199-G-A. GRCh37 (hg19) VCF-style: chr4-83348352-G-A.
Other names: c.1012C>T, p.Arg338Cys (NM_001207000.1); short protein forms R338C.
Identifiers: ClinVar variation 522993 (VCV000522993.12), dbSNP rs1553900864, ClinGen allele CA357169413.